The following is an entry in ClinVar:

NM_021956.5(GRIK2):c.40A>G (p.Arg14Gly)

Gene: GRIK2 (glutamate ionotropic receptor kainate type subunit 2; plus strand). Cytogenetic location: 6q16.3.
Variant type: single nucleotide variant.
Coding change: c.40A>G on transcript NM_021956.5 (MANE Select); coding-DNA position 40, A replaced by G.
Protein change: p.Arg14Gly; replaces arginine 14 with glycine.
Molecular consequence: missense variant.
Genome position (GRCh38, 1-based): chr6:101,399,317, A>G. VCF-style: chr6-101399317-A-G. GRCh37 (hg19) VCF-style: chr6-101847193-A-G.
Other names: c.40A>G, p.Arg14Gly (NM_001166247.1, NM_175768.3); short protein forms R14G.
Identifiers: ClinVar variation 3235860 (VCV003235860.1), dbSNP rs2482139550, ClinGen allele CA365305055.

ClinVar aggregate classification (germline): Uncertain significance (1 of 4 stars; one submission).

Submission:

Greenwood Genetic Center Diagnostic Laboratories, Greenwood Genetic Center
Classification: Uncertain significance. Last evaluated: 2024-01-26. Review status: criteria provided, single submitter. Criteria: ACMG Guidelines, 2015. Collection method: clinical testing. Allele origin: germline. Affected: yes.
Comment: PM2